The following is an entry in ClinVar:

NM_000088.4(COL1A1):c.2515G>T (p.Gly839Cys)

Gene: COL1A1 (collagen type I alpha 1 chain; minus strand). Cytogenetic location: 17q21.33.
Variant type: single nucleotide variant.
Coding change: c.2515G>T on transcript NM_000088.4 (MANE Select); coding-DNA position 2515, G replaced by T.
Protein change: p.Gly839Cys; replaces glycine 839 with cysteine.
Molecular consequence: missense variant.
Genome position (GRCh38, 1-based): chr17:50,190,045, C>A on the plus strand (G>T on the coding strand, the complement: COL1A1 is on the minus strand). VCF-style: chr17-50190045-C-A. GRCh37 (hg19) VCF-style: chr17-48267406-C-A.
Other names: short protein forms G839C.
Identifiers: ClinVar variation 4850700 (VCV004850700.1).

ClinVar aggregate classification (germline): Likely pathogenic (1 of 4 stars; one submission).

Conditions:
autosomal dominant COL1A1-related osteogenesis imperfecta.

Submission:

Variantyx, Inc.
Classification: Likely pathogenic for autosomal dominant COL1A1-related osteogenesis imperfecta. Last evaluated: 2025-08-12. Review status: criteria provided, single submitter. Criteria: Variantyx Assertion Criteria 2022. Collection method: clinical testing. Allele origin: de novo. Inheritance: Autosomal dominant inheritance. Affected: yes.
Comment: This is a nonsynonymous variant in the COL1A1 gene (OMIM: 120150). Pathogenic variants in this gene have been associated with autosomal dominant COL1A1-related osteogenesis imperfecta. The clinical symptoms reported for this proband are highly specific for autosomal dominant COL1A1-related osteogenesis imperfecta, which has a limited genetic etiology (PMID: 20301472) (PP4). It lies within a known hotspot for pathogenic variants or a well-established critical functional domain of the COL1A1 protein (PMID: 27519266) (PM1), and multiple computational algorithms predict a deleterious effect for this variant (REVEL score: 0.987) (PP3). This variant is absent from control populations (PM2).ased on the current evidence, this variant is classified as likely pathogenic for autosomal dominant COL1A1-related osteogenesis imperfecta.

Literature cited by the submitters: PubMed 27519266; PubMed 20301472.